The following is an entry in ClinVar:

ClinVar aggregate classification (germline): Conflicting classifications of pathogenicity. Review status: criteria provided, conflicting classifications (1 of 4 stars). 2 submissions from 2 submitters: Likely pathogenic (1); Uncertain significance (1). Last evaluated 2024-12-19.

Conditions:
X-linked Alport syndrome (ATS1). Also called: NEPHROPATHY AND DEAFNESS, X-LINKED; COL4A5-Related Nephropathy. Identifiers: Orphanet 63, Orphanet 88917, MedGen C4746986, MONDO:0010520, OMIM 301050.

gnomAD v4.1: 2 of 1,209,927 alleles (0.00017%); highest among the groups gnomAD compares: Non-Finnish European, 0.00022%; no homozygotes.

Submissions (2):

Victorian Clinical Genetics Services, Murdoch Childrens Research Institute
Classification: Likely pathogenic for X-linked Alport syndrome. Last evaluated: 2024-12-19. Review status: criteria provided, single submitter. Criteria: ACMG Guidelines, 2015. Collection method: clinical testing. Allele origin: germline.
Comment: This variant is classified as Likely pathogenic. Evidence in support of pathogenic classification: Variant is present in gnomAD <0.001 for a dominant condition (v4: 2 heterozygotes, 0 homozygotes, 0 hemizygotes); Another missense variant comparable to the one identified in this case has limited previous evidence for pathogenicity. p.(Gly1394Cys) has previously been reported as likely pathogenic (ClinVar, LOVD). This variant has also been identified in two individuals and regarded as predicted pathogenic; however, the study examined a population of individuals not known to have kidney disease (PMID:34400539); Variant is located in the well-established triple helical Gly-X-Y repeat region, and affects a glycine residue (Uniprot); Missense variant consistently predicted to be damaging by multiple in silico tools or highly conserved with a major amino acid change. Additional information: Variant is predicted to result in a missense amino acid change from glycine to arginine; This variant is heterozygous; This gene is associated with X-linked dominant disease. Males are typically more severely affected than females (PMID: 19965530); An alternative amino acid change, p.(Gly1394Cys), at the same position has been observed in gnomAD (v4) (5 heterozygotes, 0 homozygotes, 2 hemizygotes); This variant has no previous evidence of pathogenicity; No published segregation evidence has been identified for this variant; No published functional evidence has been identified for this variant; Dominant negative, caused by missense variants mostly glycine substitutions that affect the conformation of the protein, and loss of function, caused by either protein truncating and missense variants, are known mechanisms of disease in this gene and are associated with Alport syndrome (MIM#301050) (PMID: 24046192, PMID: 12028435); Variants in this gene are known to have variable expressivity. There is intrafamilial variability among affected carrier females, possibly due to variable X-inactivation (PMID: 14514738).

Blueprint Genetics
Classification: Uncertain significance. Last evaluated: 2024-11-25. Review status: criteria provided, single submitter. Criteria: ACMG Guidelines, 2015. Collection method: clinical testing. Allele origin: germline.

Literature cited by the submitters: PubMed 24046192 (cited by Victorian Clinical Genetics Services, Murdoch Childrens Research Institute); PubMed 12028435 (cited by Victorian Clinical Genetics Services, Murdoch Childrens Research Institute); PubMed 14514738 (cited by Victorian Clinical Genetics Services, Murdoch Childrens Research Institute); PubMed 19965530 (cited by Victorian Clinical Genetics Services, Murdoch Childrens Research Institute); PubMed 34400539 (cited by Victorian Clinical Genetics Services, Murdoch Childrens Research Institute).

NM_033380.3(COL4A5):c.4180G>C (p.Gly1394Arg)

Gene: COL4A5 (collagen type IV alpha 5 chain; plus strand). Cytogenetic location: Xq22.3.
Variant type: single nucleotide variant.
Coding change: c.4180G>C on transcript NM_033380.3 (MANE Select); coding-DNA position 4180, G replaced by C.
Protein change: p.Gly1394Arg; replaces glycine 1394 with arginine.
Molecular consequence: missense variant.
Genome position (GRCh38, 1-based): chrX:108,681,852, G>C. VCF-style: chrX-108681852-G-C. GRCh37 (hg19) VCF-style: chrX-107925082-G-C.
Other names: c.4162G>C, p.Gly1388Arg (NM_000495.5); short protein forms G1388R, G1394R.
Identifiers: ClinVar variation 1806169 (VCV001806169.4), dbSNP rs1339067074, ClinGen allele CA413852323.